The following is an entry in ClinVar:

NM_001379200.1(TBX1):c.239C>A (p.Pro80Gln)

Gene: TBX1 (T-box transcription factor 1; plus strand). Cytogenetic location: 22q11.21.
Variant type: single nucleotide variant.
Coding change: c.239C>A on transcript NM_001379200.1 (MANE Select); coding-DNA position 239, C replaced by A.
Protein change: p.Pro80Gln; replaces proline 80 with glutamine.
Molecular consequence: missense variant.
Genome position (GRCh38, 1-based): chr22:19,761,082, C>A. VCF-style: chr22-19761082-C-A. GRCh37 (hg19) VCF-style: chr22-19748605-C-A.
Other names: c.212C>A, p.Pro71Gln (NM_005992.1, NM_080646.2, NM_080647.1); short protein forms P71Q, P80Q.
Identifiers: ClinVar variation 2701179 (VCV002701179.3), dbSNP rs984681986, ClinGen allele CA322052019.

ClinVar aggregate classification (germline): Uncertain significance (1 of 4 stars; one submission).

Conditions:
DiGeorge syndrome. Also called: THIRD AND FOURTH PHARYNGEAL POUCH SYNDROME; Catch22. Identifiers: Orphanet 567, MedGen C0012236, MONDO:0008564, OMIM 188400.

Allele frequency attached by ClinVar (database versions not stated): gnomAD exomes below 0.00001; gnomAD 0.00004; TOPMed 0.00005.
gnomAD v4.1: 9 of 1,031,574 alleles (0.00087%); highest among the groups gnomAD compares: African/African-American, 0.016%; no homozygotes.

Submission:

Labcorp Genetics (formerly Invitae), Labcorp
Classification: Uncertain significance for DiGeorge syndrome. Last evaluated: 2022-11-12. Review status: criteria provided, single submitter. Criteria: Invitae Variant Classification Sherloc (09022015). Collection method: clinical testing. Allele origin: germline.
Comment: This sequence change replaces proline, which is neutral and non-polar, with glutamine, which is neutral and polar, at codon 71 of the TBX1 protein (p.Pro71Gln). This variant is not present in population databases (gnomAD no frequency). In summary, the available evidence is currently insufficient to determine the role of this variant in disease. Therefore, it has been classified as a Variant of Uncertain Significance. Advanced modeling of protein sequence and biophysical properties (such as structural, functional, and spatial information, amino acid conservation, physicochemical variation, residue mobility, and thermodynamic stability) performed at Invitae indicates that this missense variant is not expected to disrupt TBX1 protein function. This variant has not been reported in the literature in individuals affected with TBX1-related conditions.